The following is an entry in ClinVar:

ClinVar aggregate classification (germline): Uncertain significance (1 of 4 stars; one submission).

Conditions:
Developmental and epileptic encephalopathy, 30 (DEE30). Also called: Epileptic encephalopathy, early infantile, 30. Identifiers: MedGen C4225360, MONDO:0014595, OMIM 616341.

Submission:

Labcorp Genetics (formerly Invitae), Labcorp
Classification: Uncertain significance for Developmental and epileptic encephalopathy, 30. Last evaluated: 2021-02-17. Review status: criteria provided, single submitter. Criteria: Invitae Variant Classification Sherloc (09022015). Collection method: clinical testing. Allele origin: germline.
Comment: In summary, the available evidence is currently insufficient to determine the role of this variant in disease. Therefore, it has been classified as a Variant of Uncertain Significance. This sequence change replaces alanine with valine at codon 585 of the SIK1 protein (p.Ala585Val). The alanine residue is highly conserved and there is a small physicochemical difference between alanine and valine. This variant is not present in population databases (ExAC no frequency). This variant has not been reported in the literature in individuals with SIK1-related conditions. Advanced modeling of protein sequence and biophysical properties (such as structural, functional, and spatial information, amino acid conservation, physicochemical variation, residue mobility, and thermodynamic stability) performed at Invitae indicates that this missense variant is not expected to disrupt SIK1 protein function. Algorithms developed to predict the effect of sequence changes on RNA splicing suggest that this variant may create or strengthen a splice site, but this prediction has not been confirmed by published transcriptional studies.

NM_173354.5(SIK1):c.1754C>T (p.Ala585Val)

Gene: SIK1 (salt inducible kinase 1; minus strand). Cytogenetic location: 21q22.3.
Variant type: single nucleotide variant.
Coding change: c.1754C>T on transcript NM_173354.5 (MANE Select); coding-DNA position 1754, C replaced by T.
Protein change: p.Ala585Val; replaces alanine 585 with valine.
Molecular consequence: missense variant.
Genome position (GRCh38, 1-based): chr21:43,417,765, G>A on the plus strand (C>T on the coding strand, the complement: SIK1 is on the minus strand). VCF-style: chr21-43417765-G-A. GRCh37 (hg19) VCF-style: chr21-44837645-G-A.
Other names: short protein forms A585V.
Identifiers: ClinVar variation 1472779 (VCV001472779.8), dbSNP rs2146469041, ClinGen allele CA410607368.